The following is an entry in ClinVar:

ClinVar aggregate classification (germline): Likely pathogenic (1 of 4 stars; one submission).

Conditions:
Hereditary cancer-predisposing syndrome. Also called: Neoplastic Syndromes, Hereditary; Tumor predisposition; Hereditary Cancer Syndrome; Hereditary neoplastic syndrome. Identifiers: Orphanet 140162, MedGen C0027672, MeSH D009386, MONDO:0015356.

Submission:

Ambry Genetics
Classification: Likely pathogenic for Hereditary cancer-predisposing syndrome. Last evaluated: 2021-01-28. Review status: criteria provided, single submitter. Criteria: Ambry Variant Classification Scheme 2023. Collection method: clinical testing. Allele origin: germline.
Comment: The p.C630S variant (also known as c.1888T>A), located in coding exon 11 of the RET gene, results from a T to A substitution at nucleotide position 1888. The cysteine at codon 630 is replaced by serine, an amino acid with dissimilar properties. This variant has been reported in multiple individuals with MTC (Kitamura Y et al. Oncogene. 1997 Jun;14:3103-6; Egawa S et al. Jpn J Clin Oncol. 1998 Oct;28:590-6). The p.C630S variant segregated with disease in one large family with FMTC (Barletta Carrillo CF et al. Rev Fac Cien Med Univ Nac Cordoba. 2018 12;75:303-309). This amino acid position is highly conserved in available vertebrate species. In addition, this alteration is predicted to be deleterious by in silico analysis. Based on the supporting evidence, this alteration is likely pathogenic for MEN2; however, the association of this alteration with Hirschsprung disease is unknown.

Literature cited by the submitters: PubMed 17527003; PubMed 30734711; PubMed 9223675; PubMed 9839497.

NM_020975.6(RET):c.1888T>A (p.Cys630Ser)

Gene: RET (ret proto-oncogene; plus strand). Cytogenetic location: 10q11.21.
Variant type: single nucleotide variant.
Coding change: c.1888T>A on transcript NM_020975.6 (MANE Select); coding-DNA position 1888, T replaced by A.
Protein change: p.Cys630Ser; replaces cysteine 630 with serine.
Molecular consequence: missense variant.
Genome position (GRCh38, 1-based): chr10:43,114,488, T>A. VCF-style: chr10-43114488-T-A. GRCh37 (hg19) VCF-style: chr10-43609936-T-A.
Other names: c.1888T>A, p.Cys630Ser (NM_000323.2, NM_001406743.1, NM_001406744.1 and 4 more transcripts); c.1126T>A, p.Cys376Ser (NM_001355216.2); c.1759T>A, p.Cys587Ser (NM_001406761.1, NM_001406762.1, NM_001406764.1); c.1600T>A, p.Cys534Ser (NM_001406766.1, NM_001406767.1, NM_001406770.1); c.1492T>A, p.Cys498Ser (NM_001406769.1, NM_001406772.1); c.1450T>A, p.Cys484Ser (NM_001406771.1, NM_001406773.1); c.1363T>A, p.Cys455Ser (NM_001406774.1); c.1162T>A, p.Cys388Ser (NM_001406775.1, NM_001406776.1, NM_001406777.1 and 1 more transcripts); and 7 more; short protein forms C147S, C235S, C288S, C300S, C455S, C587S, C331S, C376S.
Identifiers: ClinVar variation 1782016 (VCV001782016.2), dbSNP rs377767404, ClinGen allele CA376552896.